The following is an entry in ClinVar:

ClinVar aggregate classification (germline): Pathogenic. Review status: reviewed by expert panel (3 of 4 stars). 3 submissions from 3 submitters: Pathogenic (1). 2 of the submissions do not count toward it. Last evaluated 2016-09-08.

Conditions:
Hereditary breast ovarian cancer syndrome. Also called: Hereditary breast and ovarian cancer; Hereditary breast and/or ovarian cancer syndrome; BRCA1- and BRCA2-Associated Hereditary Breast and Ovarian Cancer; Hereditary breast and ovarian cancer syndrome; Hereditary breast and ovarian cancer syndrome (HBOC); Breast and ovarian cancer. Identifiers: Orphanet 145, MedGen C0677776, MeSH D061325, MONDO:0003582. Disease mechanism: loss of function.
Breast-ovarian cancer, familial, susceptibility to, 2 (BROVCA2). Also called: BRCA2 Hereditary Breast and Ovarian Cancer. Identifiers: Orphanet 145, MedGen C2675520, MONDO:0012933, OMIM 612555. Disease mechanism: loss of function.

Submissions (3):

Evidence-based Network for the Interpretation of Germline Mutant Alleles (ENIGMA)
Classification: Pathogenic for Breast-ovarian cancer, familial, susceptibility to, 2. Last evaluated: 2016-09-08. Review status: reviewed by expert panel. Criteria: ENIGMA BRCA1/2 Classification Criteria (2015). Collection method: curation. Allele origin: germline.
Comment: Variant allele predicted to encode a truncated non-functional protein.

Research Molecular Genetics Laboratory, Women's College Hospital, University of Toronto
Classification: Pathogenic for Hereditary breast ovarian cancer syndrome. Last evaluated: 2014-01-31. Review status: no assertion criteria provided. Collection method: research. Allele origin: germline. Affected: yes. Study: The Canadian Open Genetics Repository (COGR). Not counted in ClinVar's aggregate classification.

Breast Cancer Information Core (BIC) (BRCA2)
Classification: Pathogenic for Breast-ovarian cancer, familial 2. Last evaluated: 2002-05-29. Review status: no assertion criteria provided. Collection method: clinical testing. Allele origin: germline, unknown. Affected: yes. Observed: 2 variant alleles. Not counted in ClinVar's aggregate classification.

NM_000059.4(BRCA2):c.6391_6392insT (p.Lys2131fs)

Gene: BRCA2 (BRCA2 DNA repair associated; plus strand). Cytogenetic location: 13q13.1.
Variant type: Insertion.
Coding change: c.6391_6392insT on transcript NM_000059.4 (MANE Select); coding-DNA positions 6391 to 6392, T inserted.
Protein change: p.Lys2131fs; shifts the reading frame from lysine 2131.
Molecular consequence: frameshift variant.
Genome position: GRCh38 VCF-style: chr13-32340746-A-AT. GRCh37 (hg19) VCF-style: chr13-32914883-A-AT.
Other names: 6619insT; short protein forms K2131fs.
Identifiers: ClinVar variation 126100 (VCV000126100.2), dbSNP rs80359580, ClinGen allele CA023974.
Genomic context (GRCh38, chr13:32,340,746, plus strand): 5'-AAGAGAAACCCAGAGCACTGTGTAAACTCAGAAATGGAAAAAACCTGCAGTAAAGAATTT[A>AT]AATTATCAAATAACTTAAATGTTGAAGGTGGTTCTTCAGAAAATAATCACTCTATTAAAG-3'